The following is an entry in ClinVar:

ClinVar aggregate classification (germline): Uncertain significance. Review status: reviewed by expert panel (3 of 4 stars). 3 submissions from 3 submitters: Uncertain significance (1). 2 of the submissions do not count toward it. Last evaluated 2023-04-25.

Conditions:
Mitochondrial disease. Also called: Mitochondrial disorders; Mitochondrial disorder. Identifiers: Orphanet 68380, MedGen C0751651, MeSH D028361, MONDO:0044970.
Leigh syndrome (NULS). Also called: Leigh's necrotizing encephalopathy; Leigh's syndrome; Leigh Disease; Leigh's disease; Leigh Syndrome (mtDNA deletion); LEIGH SYNDROME, NUCLEAR. Identifiers: Orphanet 506, MedGen C2931891, MONDO:0009723, OMIM 256000.

Submissions (3):

ClinGen Mitochondrial Disease Nuclear and Mitochondrial  Variant Curation Expert Panel, ClinGen
Classification: Uncertain significance for Mitochondrial disease. Last evaluated: 2023-04-25. Review status: reviewed by expert panel. Criteria: clingen mito disease acmg specifications v1-1. Collection method: curation. Allele origin: germline. Inheritance: Mitochondrial inheritance.
Comment: The m.10931T>C (p.S58P) variant in MT-ND4 was reviewed by the Mitochondrial Disease Nuclear and Mitochondrial Variant Curation Expert Panel on April 25, 2023. This variant is included in a manuscript detailing mitochondrial DNA analyses but detailed clinical information is not provided (PMID: 23463613). There are no additional individuals or families with primary mitochondrial disease with this variant reported in the medical literature to our knowledge. This variant is present in population databases and is seen in individuals from several different haplogroups (MITOMAP: 0.013%, 8/61,883; gnomAD v3.1.2: 0.211%, 119/56,428 homoplasmic occurrences, three heteroplasmic occurrences; Helix: 0.022%, 44/195,893 homoplasmic occurrences). The computational predictor APOGEE1 gives a consensus rating of neutral with a score of 0.43 (Min=0, Max=1; BP4). There are no cybrids, single fiber studies, or other functional assays reported for this variant. In summary, this variant meets criteria to be classified as uncertain significance for primary mitochondrial disease inherited in a mitochondrial manner. This classification was approved by the NICHD/NINDS U24 ClinGen Mitochondrial Disease Variant Curation Expert Panel on April 25, 2023. Mitochondrial DNA-specific ACMG/AMP criteria applied (PMID: 32906214): BP4.

Wong Mito Lab, Molecular and Human Genetics, Baylor College of Medicine
Classification: Likely benign for Leigh syndrome. Last evaluated: 2019-10-17. Review status: criteria provided, single submitter. Criteria: Modified ACMG Guidelines (Unpublished). Collection method: clinical testing. Allele origin: germline. Not counted in ClinVar's aggregate classification.
Comment: The NC_012920.1:m.10931T>C (YP_003024035.1:p.Ser58Pro) variant in MTND4 gene is interpretated to be a Likely Benign variant based on the modified ACMG guidelines (unpublished). This variant meets the following evidence codes: BS4, BP4, BP6

ARUP Laboratories, Molecular Genetics and Genomics, ARUP Laboratories
Classification: Uncertain significance. Last evaluated: 2018-05-26. Review status: criteria provided, single submitter. Criteria: ARUP Molecular Germline Variant Investigation Process. Collection method: clinical testing. Allele origin: germline. Not counted in ClinVar's aggregate classification.
Comment: The m.10931T>C variant affects the mitochondrially-encoded MT-ND4 gene. Although the m.10931T>C variant is rare in the general population (identified in six individuals in the MITOMAP database), it has not been reported in association with a mitochondrial disorder and affects a weakly conserved amino acid (Alamut software v2.11.0). Therefore, due to limited information, the clinical significance of the m.10931T>C variant is uncertain at this time.

NC_012920.1(MT-ND4):m.10931T>C

Gene: MT-ND4 (mitochondrially encoded NADH dehydrogenase 4; plus strand).
Variant type: single nucleotide variant.
Genome position: chrM-10931-T-C.
Identifiers: ClinVar variation 618728 (VCV000618728.10), dbSNP rs1569484408, ClinGen allele CA414807568.